The following is an entry in ClinVar:

ClinVar aggregate classification (germline): Uncertain significance (1 of 4 stars; one submission).

Submission:

GeneDx
Classification: Uncertain significance. Last evaluated: 2023-05-25. Review status: criteria provided, single submitter. Criteria: GeneDx Variant Classification Process June 2021. Collection method: clinical testing. Allele origin: germline. Affected: yes.
Comment: Not observed at significant frequency in large population cohorts (gnomAD); In-frame deletion of 1 amino acid in a non-repeat region; In silico analysis supports a deleterious effect on protein structure/function; Has not been previously published as pathogenic or benign to our knowledge

NM_001378328.1(CELSR1):c.4821AGA[1] (p.Glu1608del)

Gene: CELSR1 (cadherin EGF LAG seven-pass G-type receptor 1; minus strand). Cytogenetic location: 22q13.31.
Variant type: Microsatellite.
Coding change: c.4821AGA[1] on transcript NM_001378328.1 (MANE Select); one copy of the 3-base unit AGA starting at c.4821; the reference has two copies in a row; one copy, 3 bases deleted.
Protein change: p.Glu1608del; deletes glutamic acid 1608.
Genome position (GRCh38, 1-based): chr22:46,410,505-46,410,507, TCT deleted on the plus strand (AGA on the coding strand, the reverse complement: CELSR1 is on the minus strand); deleting any 3 consecutive bases within chr22:46,410,505-46,410,510 gives the same sequence; the position shown is the placement nearest the transcript's 3' end. VCF-style (leftmost placement, unchanged base first): chr22-46410504-GTCT-G. GRCh37 (hg19) VCF-style: chr22-46806401-GTCT-G.
Other names: c.4821AGA[1], p.Glu1608del (NM_014246.4); short protein forms E1608del.
Identifiers: ClinVar variation 3362065 (VCV003362065.1).